The following is an entry in ClinVar:

ClinVar aggregate classification (germline): Conflicting classifications of pathogenicity. Review status: criteria provided, conflicting classifications (1 of 4 stars). 2 submissions from 2 submitters: Uncertain significance (1); Likely benign (1). Last evaluated 2025-12-08.

Allele frequency attached by ClinVar (database versions not stated): gnomAD exomes 0.00001; ExAC 0.00002; gnomAD 0.00002; TOPMed 0.00002.
gnomAD v4.1: 20 of 1,602,330 alleles (0.0012%); highest among the groups gnomAD compares: Middle Eastern, 0.016%; no homozygotes.

Submissions (2):

Labcorp Genetics (formerly Invitae), Labcorp
Classification: Uncertain significance. Last evaluated: 2025-12-08. Review status: criteria provided, single submitter. Criteria: Invitae Variant Classification Sherloc (09022015). Collection method: clinical testing. Allele origin: germline.
Comment: This sequence change replaces glutamine, which is neutral and polar, with arginine, which is basic and polar, at codon 16 of the MOCS3 protein (p.Gln16Arg). This variant is present in population databases (no rsID available, gnomAD 0.006%). This variant has not been reported in the literature in individuals affected with MOCS3-related conditions. ClinVar contains an entry for this variant (Variation ID: 1445787). An algorithm developed to predict the effect of missense changes on protein structure and function outputs the following: PolyPhen-2: "Benign". The arginine amino acid residue is found in multiple mammalian species, which suggests that this missense change does not adversely affect protein function. In summary, the available evidence is currently insufficient to determine the role of this variant in disease. Therefore, it has been classified as a Variant of Uncertain Significance.

Ambry Genetics
Classification: Likely benign. Last evaluated: 2024-12-30. Review status: criteria provided, single submitter. Criteria: Ambry Variant Classification Scheme 2023. Collection method: clinical testing. Allele origin: germline.

NM_014484.5(MOCS3):c.47A>G (p.Gln16Arg)

Gene: MOCS3 (molybdenum cofactor synthesis 3; plus strand). Cytogenetic location: 20q13.13.
Variant type: single nucleotide variant.
Coding change: c.47A>G on transcript NM_014484.5 (MANE Select); coding-DNA position 47, A replaced by G.
Protein change: p.Gln16Arg; replaces glutamine 16 with arginine.
Molecular consequence: missense variant.
Genome position (GRCh38, 1-based): chr20:50,958,889, A>G. VCF-style: chr20-50958889-A-G. GRCh37 (hg19) VCF-style: chr20-49575426-A-G.
Other names: c.47A>G (NM_014484.3); short protein forms Q16R.
Identifiers: ClinVar variation 1445787 (VCV001445787.9), dbSNP rs982682116, ClinGen allele CA9909337.